The following is an entry in ClinVar:

ClinVar aggregate classification (germline): Conflicting classifications of pathogenicity. Review status: criteria provided, conflicting classifications (1 of 4 stars). 4 submissions from 4 submitters: Uncertain significance (3); Likely benign (1). Last evaluated 2026-09-17.

Conditions:
Cardiovascular phenotype. Identifiers: MedGen CN230736.
TTN-related disorder. Also called: TTN-related condition; TTN-related disease; TTN-related disorders.

Allele frequency attached by ClinVar (database versions not stated): ExAC 0.00001; gnomAD exomes 0.00001; gnomAD 0.00002; TOPMed 0.00002.
gnomAD v4.1: 13 of 1,613,796 alleles (0.00081%); highest among the groups gnomAD compares: Middle Eastern, 0.016%; no homozygotes.

Submissions (4):

PreventionGenetics, part of Exact Sciences
Classification: Uncertain significance for TTN-related condition. Last evaluated: 2026-09-17. Review status: criteria provided, single submitter. Criteria: ACMG Guidelines, 2015. Collection method: clinical testing. Allele origin: germline.
Comment: The TTN c.4889C>T variant is predicted to result in the amino acid substitution p.Ala1630Val. To our knowledge, this variant has not been reported in the literature. This variant is reported in 0.0063% of alleles in individuals of African descent in gnomAD. At this time, the clinical significance of this variant is uncertain due to the absence of conclusive functional and genetic evidence.

Revvity Omics, Revvity
Classification: Uncertain significance. Last evaluated: 2020-11-04. Review status: criteria provided, single submitter. Criteria: ACMG Guidelines, 2015. Collection method: clinical testing. Allele origin: germline.

Ambry Genetics
Classification: Uncertain significance for Cardiovascular phenotype. Last evaluated: 2019-11-03. Review status: criteria provided, single submitter. Criteria: Ambry Variant Classification Scheme 2023. Collection method: clinical testing. Allele origin: germline.
Comment: The p.A1584V variant (also known as c.4751C>T), located in coding exon 26 of the TTN gene, results from a C to T substitution at nucleotide position 4751. The alanine at codon 1584 is replaced by valine, an amino acid with similar properties. This amino acid position is highly conserved in available vertebrate species. In addition, this alteration is predicted to be tolerated by in silico analysis. Since supporting evidence is limited at this time, the clinical significance of this alteration remains unclear.

GeneDx
Classification: Likely benign. Last evaluated: 2018-02-09. Review status: criteria provided, single submitter. Criteria: GeneDx Variant Classification (06012015). Collection method: clinical testing. Allele origin: germline. Affected: yes.
Comment: This variant is considered likely benign or benign based on one or more of the following criteria: it is a conservative change, it occurs at a poorly conserved position in the protein, it is predicted to be benign by multiple in silico algorithms, and/or has population frequency not consistent with disease.

NM_001267550.2(TTN):c.4889C>T (p.Ala1630Val)

Genes: TTN (titin; minus strand), LOC101927055 (uncharacterized LOC101927055; plus strand). Cytogenetic location: 2q31.2.
Variant type: single nucleotide variant.
Coding change: c.4889C>T on transcript NM_001267550.2 (MANE Select); coding-DNA position 4889, C replaced by T.
Protein change: p.Ala1630Val; replaces alanine 1630 with valine.
Molecular consequence: missense variant. On other transcripts: non-coding transcript variant (1).
Genome position (GRCh38, 1-based): chr2:178,776,975, G>A on the plus strand (C>T on the coding strand, the complement: TTN is on the minus strand). VCF-style: chr2-178776975-G-A. GRCh37 (hg19) VCF-style: chr2-179641702-G-A.
Other names: c.4889C>T, p.Ala1630Val (NM_001256850.1, NM_133378.4, NM_133379.5); c.4751C>T, p.Ala1584Val (NM_003319.4, NM_133432.3, NM_133437.4); short protein forms A1630V, A1584V.
Identifiers: ClinVar variation 515495 (VCV000515495.7), dbSNP rs371601918, ClinGen allele CA2005249.